The following is an entry in ClinVar:

NM_004522.3(KIF5C):c.385T>A (p.Phe129Ile)

Gene: KIF5C (kinesin family member 5C; plus strand). Cytogenetic location: 2q23.1.
Variant type: single nucleotide variant.
Coding change: c.385T>A on transcript NM_004522.3 (MANE Select); coding-DNA position 385, T replaced by A.
Protein change: p.Phe129Ile; replaces phenylalanine 129 with isoleucine.
Molecular consequence: missense variant.
Genome position (GRCh38, 1-based): chr2:148,937,377, T>A. VCF-style: chr2-148937377-T-A. GRCh37 (hg19) VCF-style: chr2-149793891-T-A.
Other names: short protein forms F129I.
Identifiers: ClinVar variation 5020428 (VCV005020428.1).

ClinVar aggregate classification (germline): Uncertain significance (1 of 4 stars; one submission).

Submission:

Dasa
Classification: Uncertain significance. Last evaluated: 2026-06-05. Review status: criteria provided, single submitter. Criteria: DASA Assertion Criteria. Collection method: clinical testing. Allele origin: germline.
Comment: NM_004522.3(KIF5C):c.385T>A (p.Phe129Ile) is a missense variant that results in the substitution of phenylalanine with isoleucine. The affected residue or protein region has prior evidence supporting clinical relevance. This variant is rare in population databases. Computational prediction algorithms are consistent with a deleterious effect. The currently available literature and clinical evidence are not sufficient to establish a definitive association between this variant and the reported condition. Therefore, this variant is classified as a variant of uncertain significance.